The following is an entry in ClinVar:

NM_001199753.2(CPT1C):c.505C>T (p.Arg169Cys)

Gene: CPT1C (carnitine palmitoyltransferase 1C; plus strand). Cytogenetic location: 19q13.33.
Variant type: single nucleotide variant.
Coding change: c.505C>T on transcript NM_001199753.2 (MANE Select); coding-DNA position 505, C replaced by T.
Protein change: p.Arg169Cys; replaces arginine 169 with cysteine.
Molecular consequence: missense variant. On other transcripts: non-coding transcript variant (1).
Genome position (GRCh38, 1-based): chr19:49,701,368, C>T. VCF-style: chr19-49701368-C-T. GRCh37 (hg19) VCF-style: chr19-50204625-C-T.
Other names: c.505C>T, p.Arg169Cys (NM_001136052.3, NM_001199752.3, NM_001378482.1 and 7 more transcripts); short protein forms R169C.
Identifiers: ClinVar variation 3704582 (VCV003704582.2).

ClinVar aggregate classification (germline): Uncertain significance (1 of 4 stars; one submission).

Conditions:
Hereditary spastic paraplegia 73. Also called: Spastic paraplegia 73, autosomal dominant. Identifiers: Orphanet 444099, MedGen C5568981, MONDO:0014568, OMIM 616282.

gnomAD v4.1: 4 of 1,613,360 alleles (0.00025%); highest among the groups gnomAD compares: African/African-American, 0.0027%; no homozygotes.

Submission:

Labcorp Genetics (formerly Invitae), Labcorp
Classification: Uncertain significance for Hereditary spastic paraplegia 73. Last evaluated: 2024-03-09. Review status: criteria provided, single submitter. Criteria: Invitae Variant Classification Sherloc (09022015). Collection method: clinical testing. Allele origin: germline.
Comment: This sequence change replaces arginine, which is basic and polar, with cysteine, which is neutral and slightly polar, at codon 169 of the CPT1C protein (p.Arg169Cys). This variant is not present in population databases (gnomAD no frequency). This variant has not been reported in the literature in individuals affected with CPT1C-related conditions. Advanced modeling of protein sequence and biophysical properties (such as structural, functional, and spatial information, amino acid conservation, physicochemical variation, residue mobility, and thermodynamic stability) performed at Invitae indicates that this missense variant is not expected to disrupt CPT1C protein function with a negative predictive value of 80%. In summary, the available evidence is currently insufficient to determine the role of this variant in disease. Therefore, it has been classified as a Variant of Uncertain Significance.